The following is an entry in ClinVar:

NM_017514.5(PLXNA3):c.5103G>A (p.Ala1701=)

Gene: PLXNA3 (plexin A3; plus strand). Cytogenetic location: Xq28.
Variant type: single nucleotide variant.
Coding change: c.5103G>A on transcript NM_017514.5 (MANE Select); coding-DNA position 5103, G replaced by A.
Protein change: p.Ala1701=; no amino-acid change (alanine 1701 retained).
Molecular consequence: synonymous variant.
Genome position (GRCh38, 1-based): chrX:154,470,558, G>A. VCF-style: chrX-154470558-G-A. GRCh37 (hg19) VCF-style: chrX-153698901-G-A.
Identifiers: ClinVar variation 2661847 (VCV002661847.25), dbSNP rs782276640, ClinGen allele CA10565040.

ClinVar aggregate classification (germline): Likely benign. Review status: criteria provided, single submitter (1 of 4 stars). 2 submissions from 2 submitters: Likely benign (1). 1 of the submissions does not count toward it. Last evaluated 2022-06-01.

Conditions:
PLXNA3-related disorder. Also called: PLXNA3-related condition.

Allele frequency attached by ClinVar (database versions not stated): gnomAD 0.00004; gnomAD exomes 0.00005; TOPMed 0.00020; ExAC 0.00021.
gnomAD v4.1: 59 of 1,210,635 alleles (0.0049%); highest among the groups gnomAD compares: Admixed American, 0.085%; no homozygotes.

Submissions (2):

CeGaT Center for Human Genetics Tuebingen
Classification: Likely benign. Last evaluated: 2022-06-01. Review status: criteria provided, single submitter. Criteria: CeGaT Center For Human Genetics Tuebingen Variant Classification Criteria Version 2. Collection method: clinical testing. Allele origin: germline. Affected: yes. Observed: 1 variant allele.
Comment: PLXNA3: BP4, BP7

PreventionGenetics, part of Exact Sciences
Classification: Likely benign for PLXNA3-related condition. Last evaluated: 2024-01-08. Review status: no assertion criteria provided. Collection method: clinical testing. Allele origin: germline. Not counted in ClinVar's aggregate classification.
Comment: This variant is classified as likely benign based on ACMG/AMP sequence variant interpretation guidelines (Richards et al. 2015 PMID: 25741868, with internal and published modifications).